The following is an entry in ClinVar:

NM_016341.4(PLCE1):c.1090A>G (p.Ile364Val)

Gene: PLCE1 (phospholipase C epsilon 1; plus strand). Cytogenetic location: 10q23.33.
Variant type: single nucleotide variant.
Coding change: c.1090A>G on transcript NM_016341.4 (MANE Select); coding-DNA position 1090, A replaced by G.
Protein change: p.Ile364Val; replaces isoleucine 364 with valine.
Molecular consequence: missense variant.
Genome position (GRCh38, 1-based): chr10:94,032,136, A>G. VCF-style: chr10-94032136-A-G. GRCh37 (hg19) VCF-style: chr10-95791893-A-G.
Other names: c.1090A>G, p.Ile364Val (NM_001288989.2); short protein forms I364V.
Identifiers: ClinVar variation 301692 (VCV000301692.8), dbSNP rs372621219, ClinGen allele CA5612224.

ClinVar aggregate classification (germline): Conflicting classifications of pathogenicity. Review status: criteria provided, conflicting classifications (1 of 4 stars). 4 submissions from 4 submitters: Uncertain significance (3); Likely benign (1). Last evaluated 2024-09-02.

Conditions:
Nephrotic syndrome, type 3 (NPHS3). Also called: NEPHROTIC SYNDROME, EARLY-ONSET, TYPE 3. Identifiers: Orphanet 656, MedGen C1853124, MONDO:0012546, OMIM 610725.
Inborn genetic diseases. Identifiers: MedGen C0950123, MeSH D030342.

Allele frequency attached by ClinVar (database versions not stated): TOPMed 0.00003; ExAC 0.00004; gnomAD 0.00004; gnomAD exomes 0.00004 and 0.00006; ESP Exome Variant Server 0.00008.
gnomAD v4.1: 97 of 1,610,212 alleles (0.006%); highest among the groups gnomAD compares: Admixed American, 0.014%; no homozygotes.

Submissions (4):

Ambry Genetics
Classification: Likely benign for Inborn genetic diseases. Last evaluated: 2024-09-02. Review status: criteria provided, single submitter. Criteria: Ambry Variant Classification Scheme 2023. Collection method: clinical testing. Allele origin: germline.

GeneDx
Classification: Uncertain significance. Last evaluated: 2023-07-03. Review status: criteria provided, single submitter. Criteria: GeneDx Variant Classification Process June 2021. Collection method: clinical testing. Allele origin: germline. Affected: yes.
Comment: In silico analysis supports that this missense variant does not alter protein structure/function; Has not been previously published as pathogenic or benign to our knowledge

Fulgent Genetics
Classification: Uncertain significance for Nephrotic syndrome, type 3. Last evaluated: 2021-11-03. Review status: criteria provided, single submitter. Criteria: ACMG Guidelines, 2015. Collection method: clinical testing. Allele origin: unknown.

Illumina Laboratory Services, Illumina
Classification: Uncertain significance for Nephrotic syndrome, type 3. Last evaluated: 2018-01-13. Review status: criteria provided, single submitter. Criteria: ICSL Variant Classification Criteria 13 December 2019. Collection method: clinical testing. Allele origin: germline.